The following is an entry in ClinVar:

ClinVar aggregate classification (germline): Benign (0 of 4 stars; one submission).

Conditions:
CRYGA-related disorder. Also called: CRYGA-related condition.

Allele frequency attached by ClinVar (database versions not stated): 1000 Genomes Project 30x 0.00047; 1000 Genomes Project 0.00060; TOPMed 0.00282; ExAC 0.00335; ESP Exome Variant Server 0.00338; gnomAD 0.00371.

Submission:

PreventionGenetics, part of Exact Sciences
Classification: Benign for CRYGA-related condition. Last evaluated: 2019-05-28. Review status: no assertion criteria provided. Collection method: clinical testing. Allele origin: germline.
Comment: This variant is classified as benign based on ACMG/AMP sequence variant interpretation guidelines (Richards et al. 2015 PMID: 25741868, with internal and published modifications).

NM_014617.4(CRYGA):c.53A>T (p.Asn18Ile)

Gene: CRYGA (crystallin gamma A; minus strand). Cytogenetic location: 2q33.3.
Variant type: single nucleotide variant.
Coding change: c.53A>T on transcript NM_014617.4 (MANE Select); coding-DNA position 53, A replaced by T.
Protein change: p.Asn18Ile; replaces asparagine 18 with isoleucine.
Molecular consequence: missense variant.
Genome position (GRCh38, 1-based): chr2:208,163,403, T>A on the plus strand (A>T on the coding strand, the complement: CRYGA is on the minus strand). VCF-style: chr2-208163403-T-A. GRCh37 (hg19) VCF-style: chr2-209028127-T-A.
Other names: short protein forms N18I.
Identifiers: ClinVar variation 3037626 (VCV003037626.2), dbSNP rs61743752, ClinGen allele CA2078387.